The following is an entry in ClinVar:

ClinVar aggregate classification (germline): Pathogenic. Review status: criteria provided, multiple submitters, no conflicts (2 of 4 stars). 2 submissions from 2 submitters: Pathogenic (2). Last evaluated 2023-11-13.

Conditions:
X-linked agammaglobulinemia with growth hormone deficiency (IGHD3). Also called: HYPOGAMMAGLOBULINEMIA AND ISOLATED GROWTH HORMONE DEFICIENCY, X-LINKED; IGHD III; AGAMMAGLOBULINEMIA AND ISOLATED GROWTH HORMONE DEFICIENCY, X-LINKED; FLEISHER SYNDROME; Isolated growth hormone deficiency type 3; Growth hormone deficiency with hypogammaglobulinemia. Identifiers: Orphanet 231692, Orphanet 631, MedGen C0472813, MONDO:0010615, OMIM 307200.
X-linked agammaglobulinemia (XLA). Also called: IMMUNODEFICIENCY 1; Bruton-type agammaglobulinemia; Agammaglobulinemia, Bruton tyrosine kinase; Agammaglobulinemia, BTK; BTK-deficiency; Bruton's agammaglobulinemia. Identifiers: Orphanet 229717, Orphanet 47, MedGen C0221026, MONDO:0010421, OMIM 300755.

Submissions (2):

Labcorp Genetics (formerly Invitae), Labcorp
Classification: Pathogenic for X-linked agammaglobulinemia with growth hormone deficiency. Last evaluated: 2023-11-13. Review status: criteria provided, single submitter. Criteria: Invitae Variant Classification Sherloc (09022015). Collection method: clinical testing. Allele origin: germline.
Comment: This sequence change creates a premature translational stop signal (p.Trp588*) in the BTK gene. It is expected to result in an absent or disrupted protein product. Loss-of-function variants in BTK are known to be pathogenic (PMID: 15661032, 16862044, 19419768). This variant is not present in population databases (gnomAD no frequency). This premature translational stop signal has been observed in individual(s) with agammaglobulinemia (PMID: 9106525, 9545398). ClinVar contains an entry for this variant (Variation ID: 645226). For these reasons, this variant has been classified as Pathogenic.

Mendelics
Classification: Pathogenic for X-linked agammaglobulinemia. Last evaluated: 2019-05-28. Review status: criteria provided, single submitter. Criteria: Mendelics Assertion Criteria 2017. Collection method: clinical testing. Allele origin: unknown.

Literature cited by the submitters: PubMed 15661032 (cited by Labcorp Genetics (formerly Invitae), Labcorp); PubMed 16862044 (cited by Labcorp Genetics (formerly Invitae), Labcorp); PubMed 19419768 (cited by Labcorp Genetics (formerly Invitae), Labcorp); PubMed 9106525 (cited by Labcorp Genetics (formerly Invitae), Labcorp); PubMed 9545398 (cited by Labcorp Genetics (formerly Invitae), Labcorp).

NM_000061.3(BTK):c.1763G>A (p.Trp588Ter)

Gene: BTK (Bruton tyrosine kinase; minus strand). Cytogenetic location: Xq22.1.
Variant type: single nucleotide variant.
Coding change: c.1763G>A on transcript NM_000061.3 (MANE Select); coding-DNA position 1763, G replaced by A.
Protein change: p.Trp588Ter; replaces tryptophan 588 with a stop codon.
Molecular consequence: nonsense.
Genome position (GRCh38, 1-based): chrX:101,353,339, C>T on the plus strand (G>A on the coding strand, the complement: BTK is on the minus strand). VCF-style: chrX-101353339-C-T. GRCh37 (hg19) VCF-style: chrX-100608327-C-T.
Other names: c.1865G>A, p.Trp622Ter (NM_001287344.2); c.1235G>A, p.Trp412Ter (NM_001287345.2); short protein forms W588*, W622*, W412*.
Identifiers: ClinVar variation 645226 (VCV000645226.6), dbSNP rs1603001805, ClinGen allele CA413919551.